The following is an entry in ClinVar:

NM_207361.6(FREM2):c.2059C>T (p.Gln687Ter)

Gene: FREM2 (FRAS1 related extracellular matrix 2; plus strand). Cytogenetic location: 13q13.3.
Variant type: single nucleotide variant.
Coding change: c.2059C>T on transcript NM_207361.6 (MANE Select); coding-DNA position 2059, C replaced by T.
Protein change: p.Gln687Ter; replaces glutamine 687 with a stop codon.
Molecular consequence: nonsense.
Genome position (GRCh38, 1-based): chr13:38,689,403, C>T. VCF-style: chr13-38689403-C-T. GRCh37 (hg19) VCF-style: chr13-39263540-C-T.
Other names: short protein forms Q687*.
Identifiers: ClinVar variation 3018946 (VCV003018946.3), dbSNP rs376233583, ClinGen allele CA6954527.
Genomic context (GRCh38, chr13:38,689,403, plus strand): 5'-ACAGACCAGTTCACATTTAGAGTCCAGGATAACCATGACCCTCCTAATCAGTCCGGGCTA[C>T]AGCGGTTTGTGATTCGTATCCATCCTGTGGATCGCCTCCCTCCGGAGCTGGGCAGTGGCT-3'

ClinVar aggregate classification (germline): Pathogenic (1 of 4 stars; one submission).

Allele frequency attached by ClinVar (database versions not stated): gnomAD 0.00001; ESP Exome Variant Server 0.00008; TOPMed below 0.00001; ExAC 0.00001; gnomAD exomes below 0.00001.
gnomAD v4.1: 8 of 1,613,938 alleles (0.0005%); highest among the groups gnomAD compares: African/African-American, 0.0013%; no homozygotes.

Submission:

Labcorp Genetics (formerly Invitae), Labcorp
Classification: Pathogenic. Last evaluated: 2025-12-27. Review status: criteria provided, single submitter. Criteria: Invitae Variant Classification Sherloc (09022015). Collection method: clinical testing. Allele origin: germline.
Comment: This sequence change creates a premature translational stop signal (p.Gln687*) in the FREM2 gene. It is expected to result in an absent or disrupted protein product. Loss-of-function variants in FREM2 are known to be pathogenic (PMID: 18203166, 26552811). This variant is present in population databases (rs376233583, gnomAD 0.007%). This variant has not been reported in the literature in individuals affected with FREM2-related conditions. ClinVar contains an entry for this variant (Variation ID: 3018946). For these reasons, this variant has been classified as Pathogenic.

Literature cited by the submitters: PubMed 18203166; PubMed 26552811.